The following is an entry in ClinVar:

ClinVar aggregate classification (germline): Uncertain significance. Review status: criteria provided, multiple submitters, no conflicts (2 of 4 stars). 2 submissions from 2 submitters: Uncertain significance (2). Last evaluated 2025-10-02.

Conditions:
RYR1-related disorder. Also called: RYR1-related disorders; RYR1-related condition. Identifiers: MedGen CN239331.
Inborn genetic diseases. Identifiers: MedGen C0950123, MeSH D030342.

Allele frequency attached by ClinVar (database versions not stated): TOPMed 0.00001.

Submissions (2):

Labcorp Genetics (formerly Invitae), Labcorp
Classification: Uncertain significance for RYR1-related disorder. Last evaluated: 2025-10-02. Review status: criteria provided, single submitter. Criteria: Invitae Variant Classification Sherloc (09022015). Collection method: clinical testing. Allele origin: germline.
Comment: This sequence change replaces proline, which is neutral and non-polar, with alanine, which is neutral and non-polar, at codon 3427 of the RYR1 protein (p.Pro3427Ala). This variant is not present in population databases (gnomAD no frequency). This variant has not been reported in the literature in individuals affected with RYR1-related conditions. ClinVar contains an entry for this variant (Variation ID: 955547). Invitae Evidence Modeling of protein sequence and biophysical properties (such as structural, functional, and spatial information, amino acid conservation, physicochemical variation, residue mobility, and thermodynamic stability) indicates that this missense variant is not expected to disrupt RYR1 protein function with a negative predictive value of 80%. In summary, the available evidence is currently insufficient to determine the role of this variant in disease. Therefore, it has been classified as a Variant of Uncertain Significance.

Ambry Genetics
Classification: Uncertain significance for Inborn genetic diseases. Last evaluated: 2025-08-30. Review status: criteria provided, single submitter. Criteria: Ambry Variant Classification Scheme 2023. Collection method: clinical testing. Allele origin: germline.

NM_000540.3(RYR1):c.10279C>G (p.Pro3427Ala)

Gene: RYR1 (ryanodine receptor 1; plus strand). Cytogenetic location: 19q13.2.
Variant type: single nucleotide variant.
Coding change: c.10279C>G on transcript NM_000540.3 (MANE Select); coding-DNA position 10279, C replaced by G.
Protein change: p.Pro3427Ala; replaces proline 3427 with alanine.
Molecular consequence: missense variant.
Genome position (GRCh38, 1-based): chr19:38,523,047, C>G. VCF-style: chr19-38523047-C-G. GRCh37 (hg19) VCF-style: chr19-39013687-C-G.
Other names: c.10279C>G, p.Pro3427Ala (NM_001042723.2); short protein forms P3427A.
Identifiers: ClinVar variation 955547 (VCV000955547.9), dbSNP rs1971292205, ClinGen allele CA405698649.
Genomic context (GRCh38, chr19:38,523,047, plus strand): 5'-GATCCCCACCCCCTCCCTCACCTCCCCTCCGCTGACCCCAGGGCGCAGTGGCTGACGGAG[C>G]CGAATCCCAGCGCGGAGGAGCTGTTCAGGATGGTGGGCGAGATCTTCATCTACTGGTCCA-3'
Protein context (NP_000531.2, residues 3417-3437): DNNRAQWLTE[Pro3427Ala]NPSAEELFRM